The following is an entry in ClinVar:

ClinVar aggregate classification (germline): Uncertain significance (1 of 4 stars; one submission).

Submission:

Labcorp Genetics (formerly Invitae), Labcorp
Classification: Uncertain significance. Last evaluated: 2022-07-05. Review status: criteria provided, single submitter. Criteria: Invitae Variant Classification Sherloc (09022015). Collection method: clinical testing. Allele origin: germline.
Comment: This sequence change replaces asparagine, which is neutral and polar, with serine, which is neutral and polar, at codon 348 of the TUBB2A protein (p.Asn348Ser). This variant is not present in population databases (gnomAD no frequency). This variant has not been reported in the literature in individuals affected with TUBB2A-related conditions. Advanced modeling of protein sequence and biophysical properties (such as structural, functional, and spatial information, amino acid conservation, physicochemical variation, residue mobility, and thermodynamic stability) performed at Invitae indicates that this missense variant is expected to disrupt TUBB2A protein function. In summary, the available evidence is currently insufficient to determine the role of this variant in disease. Therefore, it has been classified as a Variant of Uncertain Significance.

NM_001069.3(TUBB2A):c.1043A>G (p.Asn348Ser)

Gene: TUBB2A (tubulin beta 2A class IIa; minus strand). Cytogenetic location: 6p25.2.
Variant type: single nucleotide variant.
Coding change: c.1043A>G on transcript NM_001069.3 (MANE Select); coding-DNA position 1043, A replaced by G.
Protein change: p.Asn348Ser; replaces asparagine 348 with serine.
Molecular consequence: missense variant.
Genome position (GRCh38, 1-based): chr6:3,154,158, T>C on the plus strand (A>G on the coding strand, the complement: TUBB2A is on the minus strand). VCF-style: chr6-3154158-T-C. GRCh37 (hg19) VCF-style: chr6-3154392-T-C.
Other names: c.788A>G, p.Asn263Ser (NM_001310315.2); short protein forms N263S, N348S.
Identifiers: ClinVar variation 2124181 (VCV002124181.4), dbSNP rs2533523954, ClinGen allele CA362591362.
Genomic context (GRCh38, chr6:3,154,158, plus strand): 5'-ATGAAGGTGGCCGACATCTTCAGGCCGCGGGGCGGGATGTCGCACACGGCCGTCTTCACG[T>C]TGTTGGGGATCCACTCCACGAAGTAGCTGCTGTTCTTGTTCTGCACGTTGAGCATCTGCT-3'
Protein context (NP_001060.1, residues 338-358): SSYFVEWIPN[Asn348Ser]VKTAVCDIPP